The following is an entry in ClinVar:

ClinVar aggregate classification (germline): Pathogenic (1 of 4 stars; one submission).

Submission:

GeneDx
Classification: Pathogenic. Last evaluated: 2018-10-18. Review status: criteria provided, single submitter. Criteria: GeneDx Variant Classification (06012015). Collection method: clinical testing. Allele origin: germline. Affected: yes.
Comment: The c.5955_5956delAC pathogenic variant in the HIVEP2 gene causes a frameshift starting with codon Proline 1986, changes this amino acid to a Glutamine residue and creates a premature Stop codon at position 2 of the new reading frame, denoted p.Pro1986GlnfsX2. This pathogenic variant is predicted to cause loss of normal protein function either through protein truncation or nonsense-mediated mRNA decay. The c.5955_5956delAC variant is not observed in large population cohorts (Lek et al., 2016).

NM_006734.4(HIVEP2):c.5955_5956del (p.Pro1986fs)

Gene: HIVEP2 (HIVEP zinc finger 2; minus strand). Cytogenetic location: 6q24.2.
Variant type: Microsatellite.
Coding change: c.5955_5956del on transcript NM_006734.4 (MANE Select); coding-DNA positions 5955 to 5956, 2 bases deleted (AC; older notation c.5955_5956delAC).
Protein change: p.Pro1986fs; shifts the reading frame from proline 1986.
Molecular consequence: frameshift variant.
Genome position (GRCh38, 1-based): chr6:142,760,332-142,760,333, GT deleted on the plus strand (AC on the coding strand, the reverse complement: HIVEP2 is on the minus strand); deleting any 2 consecutive bases within chr6:142,760,332-142,760,335 gives the same sequence; the c. name uses the placement nearest the transcript's 3' end. VCF-style (leftmost placement, unchanged base first): chr6-142760331-GGT-G. GRCh37 (hg19) VCF-style: chr6-143081468-GGT-G.
Other names: short protein forms P1986fs.
Identifiers: ClinVar variation 817285 (VCV000817285.1), dbSNP rs1582831184, ClinGen allele CA915944435.